The following is an entry in ClinVar:

ClinVar aggregate classification (germline): Likely benign (0 of 4 stars; one submission).

Conditions:
EP300-related disorder. Also called: EP300-related condition; EP300-related disorders.

Submission:

PreventionGenetics, part of Exact Sciences
Classification: Likely benign for EP300-related condition. Last evaluated: 2024-08-08. Review status: no assertion criteria provided. Collection method: clinical testing. Allele origin: germline.
Comment: This variant is classified as likely benign based on ACMG/AMP sequence variant interpretation guidelines (Richards et al. 2015 PMID: 25741868, with internal and published modifications).

NM_001429.4(EP300):c.21A>G (p.Glu7=)

Gene: EP300 (E1A binding protein p300; plus strand). Cytogenetic location: 22q13.2.
Variant type: single nucleotide variant.
Coding change: c.21A>G on transcript NM_001429.4 (MANE Select); coding-DNA position 21, A replaced by G.
Protein change: p.Glu7=; no amino-acid change (glutamic acid 7 retained).
Molecular consequence: synonymous variant.
Genome position (GRCh38, 1-based): chr22:41,093,025, A>G. VCF-style: chr22-41093025-A-G. GRCh37 (hg19) VCF-style: chr22-41489029-A-G.
Other names: c.21A>G, p.Glu7= (NM_001362843.2).
Identifiers: ClinVar variation 3345757 (VCV003345757.1).